The following is an entry in ClinVar:

ClinVar aggregate classification (germline): Likely benign. Review status: criteria provided, multiple submitters, no conflicts (2 of 4 stars). 3 submissions from 3 submitters: Likely benign (3). Last evaluated 2022-06-01.

Allele frequency attached by ClinVar (database versions not stated): 1000 Genomes Project 30x 0.00078; 1000 Genomes Project 0.00100; gnomAD 0.00214 and 0.00217; ESP Exome Variant Server 0.00215; ExAC 0.00228; gnomAD exomes 0.00231 and 0.00281; TOPMed 0.00264.

Submissions (3):

CeGaT Center for Human Genetics Tuebingen
Classification: Likely benign. Last evaluated: 2022-06-01. Review status: criteria provided, single submitter. Criteria: CeGaT Center For Human Genetics Tuebingen Variant Classification Criteria Version 2. Collection method: clinical testing. Allele origin: germline. Affected: yes. Observed: 1 variant allele.
Comment: COL14A1: BS2

Labcorp Genetics (formerly Invitae), Labcorp
Classification: Likely benign. Last evaluated: 2019-12-31. Review status: criteria provided, single submitter. Criteria: Invitae Variant Classification Sherloc (09022015). Collection method: clinical testing. Allele origin: germline.

Breakthrough Genomics
Classification: Likely benign. Review status: criteria provided, single submitter. Criteria: ACMG Guidelines, 2015. Collection method: not provided. Allele origin: germline. Inheritance: Unknown mechanism. Affected: yes.

NM_021110.4(COL14A1):c.1373G>A (p.Ser458Asn)

Gene: COL14A1 (collagen type XIV alpha 1 chain; plus strand). Cytogenetic location: 8q24.12.
Variant type: single nucleotide variant.
Coding change: c.1373G>A on transcript NM_021110.4 (MANE Select); coding-DNA position 1373, G replaced by A.
Protein change: p.Ser458Asn; replaces serine 458 with asparagine.
Molecular consequence: missense variant.
Genome position (GRCh38, 1-based): chr8:120,209,807, G>A. VCF-style: chr8-120209807-G-A. GRCh37 (hg19) VCF-style: chr8-121222046-G-A.
Other names: short protein forms S458N.
Identifiers: ClinVar variation 784642 (VCV000784642.29), dbSNP rs61753752, ClinGen allele CA4858852.